The following is an entry in ClinVar:

ClinVar aggregate classification (germline): Benign/Likely benign. Review status: criteria provided, multiple submitters, no conflicts (2 of 4 stars). 9 submissions from 9 submitters: Benign (6); Likely benign (3). Last evaluated 2026-02-04.

Conditions:
Trimethylaminuria (TMAU). Also called: FISH-ODOR SYNDROME; Fish malodor syndrome; Stale fish syndrome; TMAuria; Primary Trimethylaminuria. Identifiers: MedGen C0342739, MONDO:0011182, OMIM 602079, HP:0003614. Disease mechanism: loss of function.

Allele frequency attached by ClinVar (database versions not stated): 1000 Genomes Project 30x 0.08651; 1000 Genomes Project 0.09145; TOPMed 0.12395; gnomAD 0.13897 and 0.14140; gnomAD exomes 0.15047 and 0.18064; ExAC 0.15293.
gnomAD v4.1: 283,479 of 1,613,186 alleles (18%); highest among the groups gnomAD compares: Non-Finnish European, 20%; 27,599 homozygotes.

Submissions (9):

Labcorp Genetics (formerly Invitae), Labcorp
Classification: Benign. Last evaluated: 2026-02-04. Review status: criteria provided, single submitter. Criteria: Invitae Variant Classification Sherloc (09022015). Collection method: clinical testing. Allele origin: germline.

Blueprint Genetics
Classification: Likely benign. Last evaluated: 2024-11-26. Review status: criteria provided, single submitter. Criteria: ACMG Guidelines, 2015. Collection method: clinical testing. Allele origin: germline.

Genomic Medicine Center of Excellence, King Faisal Specialist Hospital and Research Centre
Classification: Benign for Trimethylaminuria. Last evaluated: 2024-04-04. Review status: criteria provided, single submitter. Criteria: ACMG Guidelines, 2015. Collection method: clinical testing. Allele origin: germline.

Genome-Nilou Lab
Classification: Benign for Trimethylaminuria. Last evaluated: 2021-08-10. Review status: criteria provided, single submitter. Criteria: ACMG Guidelines, 2015. Collection method: clinical testing. Allele origin: germline. Affected: no.

GeneDx
Classification: Benign. Last evaluated: 2021-05-06. Review status: criteria provided, single submitter. Criteria: GeneDx Variant Classification Process June 2021. Collection method: clinical testing. Allele origin: germline. Affected: yes.
Comment: In silico analysis supports that this missense variant has a deleterious effect on protein structure/function; This variant is associated with the following publications: (PMID: 32653296, 23510775, 31240165, 28290528, 19321370, 17531949, 10479479, 11773868, 23211429, 10896299, 23791655, 23266626, 17142560, 12814961, 17584019, 11136294)

Mendelics
Classification: Likely benign for Trimethylaminuria. Last evaluated: 2019-05-28. Review status: criteria provided, single submitter. Criteria: Mendelics Assertion Criteria 2017. Collection method: clinical testing. Allele origin: unknown.

Illumina Laboratory Services, Illumina
Classification: Benign for Trimethylaminuria. Last evaluated: 2017-04-27. Review status: criteria provided, single submitter. Criteria: ICSL Variant Classification Criteria 13 December 2019. Collection method: clinical testing. Allele origin: germline.
Comment: This variant was observed as part of a predisposition screen in an ostensibly healthy population. A literature search was performed for the gene, cDNA change, and amino acid change (where applicable). Publications were found based on this search. The evidence from the literature, in combination with allele frequency data from public databases where available, was sufficient to rule this variant out of causing disease. Therefore, this variant is classified as benign.

Breakthrough Genomics
Classification: Likely benign. Review status: criteria provided, single submitter. Criteria: ACMG Guidelines, 2015. Collection method: not provided. Allele origin: germline. Inheritance: Autosomal recessive inheritance. Affected: yes.

PreventionGenetics, part of Exact Sciences
Classification: Benign. Review status: criteria provided, single submitter. Criteria: ACMG Guidelines, 2015. Collection method: clinical testing. Allele origin: germline.

Literature cited by the submitters: PubMed 10479479 (cited by Illumina Laboratory Services, Illumina).

NM_001002294.3(FMO3):c.923A>G (p.Glu308Gly)

Gene: FMO3 (flavin containing dimethylaniline monoxygenase 3; plus strand). Cytogenetic location: 1q24.3.
Variant type: single nucleotide variant.
Coding change: c.923A>G on transcript NM_001002294.3 (MANE Select); coding-DNA position 923, A replaced by G.
Protein change: p.Glu308Gly; replaces glutamic acid 308 with glycine.
Molecular consequence: missense variant.
Genome position (GRCh38, 1-based): chr1:171,114,102, A>G. VCF-style: chr1-171114102-A-G. GRCh37 (hg19) VCF-style: chr1-171083242-A-G.
Other names: c.863A>G, p.Glu288Gly (NM_001319173.2); c.734A>G, p.Glu245Gly (NM_001319174.2); c.923A>G, p.Glu308Gly (NM_006894.6); c.923A>G (NM_001002294.2); short protein forms E308G, E245G, E288G.
Identifiers: ClinVar variation 38395 (VCV000038395.16), dbSNP rs2266780, ClinGen allele CA038272.